The following is an entry in ClinVar:

ClinVar aggregate classification (germline): Uncertain significance. Review status: criteria provided, multiple submitters, no conflicts (2 of 4 stars). 2 submissions from 2 submitters: Uncertain significance (2). Last evaluated 2025-02-05.

Conditions:
Hereditary cancer-predisposing syndrome. Also called: Tumor predisposition; Hereditary neoplastic syndrome; Hereditary Cancer Syndrome; Neoplastic Syndromes, Hereditary. Identifiers: Orphanet 140162, MedGen C0027672, MeSH D009386, MONDO:0015356.

Allele frequency attached by ClinVar (database versions not stated): gnomAD exomes below 0.00001; ExAC 0.00001.
gnomAD v4.1: 5 of 1,613,940 alleles (0.00031%); highest among the groups gnomAD compares: South Asian, 0.0022%; no homozygotes.

Submissions (2):

Labcorp Genetics (formerly Invitae), Labcorp
Classification: Uncertain significance. Last evaluated: 2025-02-05. Review status: criteria provided, single submitter. Criteria: Invitae Variant Classification Sherloc (09022015). Collection method: clinical testing. Allele origin: germline.
Comment: This sequence change replaces asparagine, which is neutral and polar, with serine, which is neutral and polar, at codon 638 of the POLE protein (p.Asn638Ser). This variant is present in population databases (rs753087966, gnomAD 0.003%). This variant has not been reported in the literature in individuals affected with POLE-related conditions. ClinVar contains an entry for this variant (Variation ID: 961966). Invitae Evidence Modeling of protein sequence and biophysical properties (such as structural, functional, and spatial information, amino acid conservation, physicochemical variation, residue mobility, and thermodynamic stability) indicates that this missense variant is expected to disrupt POLE protein function with a positive predictive value of 80%. RNA analysis performed to evaluate the impact of this missense change on mRNA splicing indicates it does not significantly alter splicing (internal data). In summary, the available evidence is currently insufficient to determine the role of this variant in disease. Therefore, it has been classified as a Variant of Uncertain Significance.

Ambry Genetics
Classification: Uncertain significance for Hereditary cancer-predisposing syndrome. Last evaluated: 2023-05-11. Review status: criteria provided, single submitter. Criteria: Ambry Variant Classification Scheme 2023. Collection method: clinical testing. Allele origin: germline.
Comment: The p.N638S variant (also known as c.1913A>G), located in coding exon 17 of the POLE gene, results from an A to G substitution at nucleotide position 1913. The asparagine at codon 638 is replaced by serine, an amino acid with highly similar properties. This amino acid position is conserved. In addition, this alteration is predicted to be tolerated by in silico analysis. Since supporting evidence is limited at this time, the clinical significance of this alteration remains unclear.

NM_006231.4(POLE):c.1913A>G (p.Asn638Ser)

Gene: POLE (DNA polymerase epsilon, catalytic subunit; minus strand). Cytogenetic location: 12q24.33.
Variant type: single nucleotide variant.
Coding change: c.1913A>G on transcript NM_006231.4 (MANE Select); coding-DNA position 1913, A replaced by G.
Protein change: p.Asn638Ser; replaces asparagine 638 with serine.
Molecular consequence: missense variant.
Genome position (GRCh38, 1-based): chr12:132,668,821, T>C on the plus strand (A>G on the coding strand, the complement: POLE is on the minus strand). VCF-style: chr12-132668821-T-C. GRCh37 (hg19) VCF-style: chr12-133245407-T-C.
Other names: c.1913A>G (NM_006231.2); short protein forms N638S.
Identifiers: ClinVar variation 961966 (VCV000961966.11), dbSNP rs753087966, ClinGen allele CA6893779.